The following is an entry in ClinVar:

NM_003470.3(USP7):c.192T>G (p.Ser64Arg)

Gene: USP7 (ubiquitin specific peptidase 7; minus strand). Cytogenetic location: 16p13.2.
Variant type: single nucleotide variant.
Coding change: c.192T>G on transcript NM_003470.3 (MANE Select); coding-DNA position 192, T replaced by G.
Protein change: p.Ser64Arg; replaces serine 64 with arginine.
Molecular consequence: missense variant. On other transcripts: 5 prime UTR variant (1), non-coding transcript variant (1).
Genome position (GRCh38, 1-based): chr16:8,923,406, A>C on the plus strand (T>G on the coding strand, the complement: USP7 is on the minus strand). VCF-style: chr16-8923406-A-C. GRCh37 (hg19) VCF-style: chr16-9017263-A-C.
Other names: c.144T>G, p.Ser48Arg (NM_001286457.2); c.-106T>G (NM_001286458.2); c.18T>G, p.Ser6Arg (NM_001321858.2); short protein forms S64R, S48R, S6R.
Identifiers: ClinVar variation 3654941 (VCV003654941.2).

ClinVar aggregate classification (germline): Uncertain significance (1 of 4 stars; one submission).

Submission:

Labcorp Genetics (formerly Invitae), Labcorp
Classification: Uncertain significance. Last evaluated: 2024-06-07. Review status: criteria provided, single submitter. Criteria: Invitae Variant Classification Sherloc (09022015). Collection method: clinical testing. Allele origin: germline.
Comment: This sequence change replaces serine, which is neutral and polar, with arginine, which is basic and polar, at codon 64 of the USP7 protein (p.Ser64Arg). This variant is not present in population databases (gnomAD no frequency). This variant has not been reported in the literature in individuals affected with USP7-related conditions. An algorithm developed to predict the effect of missense changes on protein structure and function (PolyPhen-2) suggests that this variant is likely to be tolerated. In summary, the available evidence is currently insufficient to determine the role of this variant in disease. Therefore, it has been classified as a Variant of Uncertain Significance.